The following is an entry in ClinVar:

NM_001003787.4(STRADA):c.550G>A (p.Asp184Asn)

Genes: STRADA (STE20 related adaptor alpha; minus strand), LOC125312417 (Sharpr-MPRA regulatory region 9817; plus strand). Cytogenetic location: 17q23.3.
Variant type: single nucleotide variant.
Coding change: c.550G>A on transcript NM_001003787.4 (MANE Select); coding-DNA position 550, G replaced by A.
Protein change: p.Asp184Asn; replaces aspartic acid 184 with asparagine.
Molecular consequence: missense variant. On other transcripts: non-coding transcript variant (1).
Genome position (GRCh38, 1-based): chr17:63,710,522, C>T on the plus strand (G>A on the coding strand, the complement: STRADA is on the minus strand). VCF-style: chr17-63710522-C-T. GRCh37 (hg19) VCF-style: chr17-61787882-C-T.
Other names: c.439G>A, p.Asp147Asn (NM_001003786.3, NM_001363789.1, NM_153335.6); c.376G>A, p.Asp126Asn (NM_001003788.3, NM_001363790.1, NM_001363791.1); c.463G>A, p.Asp155Asn (NM_001165969.2, NM_001363787.1); c.418G>A, p.Asp140Asn (NM_001165970.2); c.526G>A, p.Asp176Asn (NM_001363786.1); c.550G>A, p.Asp184Asn (NM_001363788.1); short protein forms D184N, D126N, D155N, D147N, D140N, D176N.
Identifiers: ClinVar variation 569294 (VCV000569294.10), dbSNP rs200492727, ClinGen allele CA8703363.
Genomic context (GRCh38, chr17:63,710,522, plus strand): 5'-ATCATGGGAAAGGCCGCCTAAGAACGCACCTGTGTACATATCCCATGTGGTGGATGTAGT[C>T]GAGGGCCTTCAGCACCCCCTGCAGGATGTAAGCAATCGCCAGCTCATTCATGCCATCCAT-3'
Protein context (NP_001003787.1, residues 174-194): YILQGVLKAL[Asp184Asn]YIHHMGYVHR

ClinVar aggregate classification (germline): Uncertain significance. Review status: criteria provided, multiple submitters, no conflicts (2 of 4 stars). 2 submissions from 2 submitters: Uncertain significance (2). Last evaluated 2025-01-27.

Conditions:
Inborn genetic diseases. Identifiers: MedGen C0950123, MeSH D030342.
Polyhydramnios, megalencephaly, and symptomatic epilepsy (PMSE). Also called: PMSE SYNDROME. Identifiers: Orphanet 500533, MedGen C1970203, MONDO:0012611, OMIM 611087.

Allele frequency attached by ClinVar (database versions not stated): gnomAD exomes below 0.00001 and 0.00001; gnomAD 0.00001; ExAC 0.00002; TOPMed 0.00002.
gnomAD v4.1: 7 of 1,613,768 alleles (0.00043%); highest among the groups gnomAD compares: African/African-American, 0.0013%; no homozygotes.

Submissions (2):

Ambry Genetics
Classification: Uncertain significance for Inborn genetic diseases. Last evaluated: 2025-01-27. Review status: criteria provided, single submitter. Criteria: Ambry Variant Classification Scheme 2023. Collection method: clinical testing. Allele origin: germline.

Labcorp Genetics (formerly Invitae), Labcorp
Classification: Uncertain significance for Polyhydramnios, megalencephaly, and symptomatic epilepsy. Last evaluated: 2022-07-18. Review status: criteria provided, single submitter. Criteria: Invitae Variant Classification Sherloc (09022015). Collection method: clinical testing. Allele origin: germline.
Comment: This sequence change replaces aspartic acid, which is acidic and polar, with asparagine, which is neutral and polar, at codon 184 of the STRADA protein (p.Asp184Asn). This variant is present in population databases (rs200492727, gnomAD 0.004%). This variant has not been reported in the literature in individuals affected with STRADA-related conditions. ClinVar contains an entry for this variant (Variation ID: 569294). Algorithms developed to predict the effect of missense changes on protein structure and function (SIFT, PolyPhen-2, Align-GVGD) all suggest that this variant is likely to be tolerated. In summary, the available evidence is currently insufficient to determine the role of this variant in disease. Therefore, it has been classified as a Variant of Uncertain Significance.